The following is an entry in ClinVar:

NM_004171.4(SLC1A2):c.1168C>A (p.Leu390Ile)

Gene: SLC1A2 (solute carrier family 1 member 2; minus strand). Cytogenetic location: 11p13.
Variant type: single nucleotide variant.
Coding change: c.1168C>A on transcript NM_004171.4 (MANE Select); coding-DNA position 1168, C replaced by A.
Protein change: p.Leu390Ile; replaces leucine 390 with isoleucine.
Molecular consequence: missense variant.
Genome position (GRCh38, 1-based): chr11:35,286,875, G>T on the plus strand (C>A on the coding strand, the complement: SLC1A2 is on the minus strand). VCF-style: chr11-35286875-G-T. GRCh37 (hg19) VCF-style: chr11-35308422-G-T.
Other names: c.1141C>A, p.Leu381Ile (NM_001195728.3, NM_001252652.2); short protein forms L381I, L390I.
Identifiers: ClinVar variation 3360597 (VCV003360597.1).

ClinVar aggregate classification (germline): Uncertain significance (1 of 4 stars; one submission).

Submission:

GeneDx
Classification: Uncertain significance. Last evaluated: 2023-06-28. Review status: criteria provided, single submitter. Criteria: GeneDx Variant Classification Process June 2021. Collection method: clinical testing. Allele origin: germline. Affected: yes.
Comment: Not observed at significant frequency in large population cohorts (gnomAD); In silico analysis supports that this missense variant does not alter protein structure/function; Has not been previously published as pathogenic or benign to our knowledge